The following is an entry in ClinVar:

ClinVar aggregate classification (germline): Likely pathogenic (1 of 4 stars; one submission).

Conditions:
Ehlers-Danlos syndrome, kyphoscoliotic type 1 (EDSKSCL1). Also called: Ehlers-Danlos syndrome, hydroxylysine-deficient; EHLERS-DANLOS SYNDROME, OCULAR-SCOLIOTIC TYPE; PLOD1-Related Kyphoscoliotic Ehlers-Danlos Syndrome; EHLERS-DANLOS SYNDROME, TYPE VIA. Identifiers: Orphanet 1900, MedGen C0268342, MONDO:0016002, OMIM 225400. Disease mechanism: loss of function.

Allele frequency attached by ClinVar (database versions not stated): TOPMed below 0.00001; gnomAD 0.00001.
gnomAD v4.1: 26 of 1,612,650 alleles (0.0016%); highest among the groups gnomAD compares: Non-Finnish European, 0.002%; no homozygotes.

Submission:

Labcorp Genetics (formerly Invitae), Labcorp
Classification: Likely pathogenic for Ehlers-Danlos syndrome, kyphoscoliotic type 1. Last evaluated: 2023-06-14. Review status: criteria provided, single submitter. Criteria: Invitae Variant Classification Sherloc (09022015). Collection method: clinical testing. Allele origin: germline.
Comment: Algorithms developed to predict the effect of sequence changes on RNA splicing suggest that this variant may disrupt the consensus splice site. This variant has not been reported in the literature in individuals affected with PLOD1-related conditions. This variant is not present in population databases (gnomAD no frequency). This sequence change affects a donor splice site in intron 10 of the PLOD1 gene. It is expected to disrupt RNA splicing. Variants that disrupt the donor or acceptor splice site typically lead to a loss of protein function (PMID: 16199547), and loss-of-function variants in PLOD1 are known to be pathogenic (PMID: 10874315, 21699693). In summary, the currently available evidence indicates that the variant is pathogenic, but additional data are needed to prove that conclusively. Therefore, this variant has been classified as Likely Pathogenic.

Literature cited by the submitters: PubMed 16199547; PubMed 10874315; PubMed 21699693.

NM_000302.4(PLOD1):c.1097+1G>C

Gene: PLOD1 (procollagen-lysine,2-oxoglutarate 5-dioxygenase 1; plus strand). Cytogenetic location: 1p36.22.
Variant type: single nucleotide variant.
Coding change: c.1097+1G>C on transcript NM_000302.4 (MANE Select); the canonical splice donor site of the intron after coding-DNA position 1097, G replaced by C.
Molecular consequence: splice donor variant.
Genome position (GRCh38, 1-based): chr1:11,960,768, G>C. VCF-style: chr1-11960768-G-C. GRCh37 (hg19) VCF-style: chr1-12020825-G-C.
Other names: c.1238+1G>C (NM_001316320.2).
Identifiers: ClinVar variation 2729360 (VCV002729360.3), dbSNP rs1389548210, ClinGen allele CA338437716.